The following is an entry in ClinVar:

NM_024642.5(GALNT12):c.1507C>A (p.Pro503Thr)

Gene: GALNT12 (polypeptide N-acetylgalactosaminyltransferase 12; plus strand). Cytogenetic location: 9q22.33.
Variant type: single nucleotide variant.
Coding change: c.1507C>A on transcript NM_024642.5 (MANE Select); coding-DNA position 1507, C replaced by A.
Protein change: p.Pro503Thr; replaces proline 503 with threonine.
Molecular consequence: missense variant.
Genome position (GRCh38, 1-based): chr9:98,846,025, C>A. VCF-style: chr9-98846025-C-A. GRCh37 (hg19) VCF-style: chr9-101608307-C-A.
Other names: short protein forms P503T.
Identifiers: ClinVar variation 4871645 (VCV004871645.1).

ClinVar aggregate classification (germline): Uncertain significance (1 of 4 stars; one submission).

Submission:

Ambry Genetics
Classification: Uncertain significance. Last evaluated: 2026-04-20. Review status: criteria provided, single submitter. Criteria: Ambry Variant Classification Scheme 2023. Collection method: clinical testing. Allele origin: germline.
Comment: The p.P503T variant (also known as c.1507C>A), located in coding exon 9 of the GALNT12 gene, results from a C to A substitution at nucleotide position 1507. The proline at codon 503 is replaced by threonine, an amino acid with highly similar properties. This amino acid position is conserved. In addition, the in silico prediction for this alteration is inconclusive. Based on the available evidence, the clinical significance of this variant remains unclear.